The following is an entry in ClinVar:

NM_001042492.3(NF1):c.3482_3485dup (p.Met1162fs)

Gene: NF1 (neurofibromin 1; plus strand). Cytogenetic location: 17q11.2.
Variant type: Duplication.
Coding change: c.3482_3485dup on transcript NM_001042492.3 (MANE Select); coding-DNA positions 3482 to 3485, 4 bases duplicated (TCAT; older notation c.3482_3485dupTCAT).
Protein change: p.Met1162fs; shifts the reading frame from methionine 1162.
Molecular consequence: frameshift variant.
Genome position (GRCh38, 1-based): chr17:31,232,867-31,232,870, TCAT duplicated. VCF-style (leftmost placement, unchanged base first): chr17-31232866-C-CTCAT. GRCh37 (hg19) VCF-style: chr17-29559884-C-CTCAT.
Other names: c.3482_3485dup, p.Met1162fs (NM_000267.4); short protein forms M1162fs.
Identifiers: ClinVar variation 4291966 (VCV004291966.1).

ClinVar aggregate classification (germline): Pathogenic (1 of 4 stars; one submission).

Conditions:
Neurofibromatosis, type 1 (NF1). Also called: VON RECKLINGHAUSEN DISEASE; Neurofibromatosis, type I; NEUROFIBROMATOSIS, TYPE I, SOMATIC; Peripheral type neurofibromatosis. Identifiers: Orphanet 636, MedGen C0027831, MONDO:0018975, OMIM 162200. Disease mechanism: loss of function.

Submission:

3billion
Classification: Pathogenic for Neurofibromatosis, type 1. Last evaluated: 2025-01-20. Review status: criteria provided, single submitter. Criteria: ACMG Guidelines, 2015. Collection method: clinical testing. Allele origin: germline. Affected: yes.
Comment: The variant is not observed in the gnomAD v4.1.0 dataset. Predicted Consequence/Location: Frameshift: predicted to result in a loss or disruption of normal protein function through nonsense-mediated decay (NMD) or protein truncation. Multiple pathogenic variants are reported downstream of the variant. The variant has been reported to be associated with NF1-related disorder (PMID: 35240321). Therefore, this variant is classified as Pathogenic according to the recommendation of ACMG/AMP guideline.

Literature cited by the submitters: PubMed 35240321.